The following is an entry in ClinVar:

NM_016203.4(PRKAG2):c.-287C>G

Gene: PRKAG2 (protein kinase AMP-activated non-catalytic subunit gamma 2; minus strand). Cytogenetic location: 7q36.1.
Variant type: single nucleotide variant.
Coding change: c.-287C>G on transcript NM_016203.4 (MANE Select); 287 bases upstream of the start codon, C replaced by G.
Molecular consequence: 5 prime UTR variant.
Genome position (GRCh38, 1-based): chr7:151,876,907, G>C on the plus strand (C>G on the coding strand, the complement: PRKAG2 is on the minus strand). VCF-style: chr7-151876907-G-C. GRCh37 (hg19) VCF-style: chr7-151573992-G-C.
Identifiers: ClinVar variation 359359 (VCV000359359.8), dbSNP rs75059373, ClinGen allele CA10628594.

ClinVar aggregate classification (germline): Likely benign. Review status: criteria provided, multiple submitters, no conflicts (2 of 4 stars). 3 submissions from 2 submitters: Likely benign (3). Last evaluated 2018-06-26.

Conditions:
Hypertrophic cardiomyopathy 6. Identifiers: MedGen C1833236, MONDO:0010946, OMIM 600858.
Wolff-Parkinson-White pattern. Also called: WPW SYNDROME; Auriculoventricular accessory pathway syndrome; False bundle branch block syndrome; Anomalous ventricular excitation syndrome. Identifiers: MedGen C0043202, MONDO:0008685, OMIM 194200, HP:0001716.

Allele frequency attached by ClinVar (database versions not stated): 1000 Genomes Project 0.00679; TOPMed 0.00690; 1000 Genomes Project 30x 0.00796.
gnomAD v4.1: 1,164 of 520,880 alleles (0.22%); highest among the groups gnomAD compares: African/African-American, 2%; 7 homozygotes.

Submissions (3):

GeneDx
Classification: Likely benign. Last evaluated: 2018-06-26. Review status: criteria provided, single submitter. Criteria: GeneDx Variant Classification Process June 2021. Collection method: clinical testing. Allele origin: germline. Affected: yes.

Illumina Laboratory Services, Illumina
Classification: Likely benign for Hypertrophic cardiomyopathy 6. Last evaluated: 2018-01-12. Review status: criteria provided, single submitter. Criteria: ICSL Variant Classification Criteria 13 December 2019. Collection method: clinical testing. Allele origin: germline.
Comment: This variant was observed in the ICSL laboratory as part of a predisposition screen in an ostensibly healthy population. It had not been previously curated by ICSL or reported in the Human Gene Mutation Database (HGMD: prior to June 1st, 2018), and was therefore a candidate for classification through an automated scoring system. Utilizing variant allele frequency, disease prevalence and penetrance estimates, and inheritance mode, an automated score was calculated to assess if this variant is too frequent to cause the disease. Based on the score and internal cut-off values, a variant classified as likely benign is not then subjected to further curation. The score for this variant resulted in a classification of likely benign for this disease.

Illumina Laboratory Services, Illumina
Classification: Likely benign for Wolff-Parkinson-White pattern. Last evaluated: 2018-01-12. Review status: criteria provided, single submitter. Criteria: ICSL Variant Classification Criteria 13 December 2019. Collection method: clinical testing. Allele origin: germline.
Comment: the same text as in the submission from Illumina Laboratory Services, Illumina above.